The following is an entry in ClinVar:

NM_000532.5(PCCB):c.105dup (p.Asn36Ter)

Gene: PCCB (propionyl-CoA carboxylase subunit beta; plus strand). Cytogenetic location: 3q22.3.
Variant type: Duplication.
Coding change: c.105dup on transcript NM_000532.5 (MANE Select); coding-DNA position 105, one base duplicated (T; older notation c.105dupT).
Protein change: p.Asn36Ter; replaces asparagine 36 with a stop codon.
Molecular consequence: nonsense.
Genome position (GRCh38, 1-based): chr3:136,250,480, T duplicated; the last of 2 consecutive T bases (chr3:136,250,479-136,250,480); duplicating either gives the same sequence. VCF-style (leftmost placement, unchanged base first): chr3-136250478-G-GT. GRCh37 (hg19) VCF-style: chr3-135969320-G-GT.
Other names: c.105dup, p.Asn36Ter (NM_001178014.2); short protein forms N36*.
Identifiers: ClinVar variation 1072310 (VCV001072310.7), dbSNP rs2108127935, ClinGen allele CA2499216492.

ClinVar aggregate classification (germline): Pathogenic (1 of 4 stars; one submission).

Conditions:
Propionic acidemia (PROP). Also called: KETOTIC HYPERGLYCINEMIA; GLYCINEMIA, KETOTIC; HYPERGLYCINEMIA WITH KETOACIDOSIS AND LEUKOPENIA. Identifiers: Orphanet 35, MedGen C0268579, MONDO:0011628, OMIM 606054, HP:0003571.

Submission:

Labcorp Genetics (formerly Invitae), Labcorp
Classification: Pathogenic for Propionic acidemia. Last evaluated: 2020-02-26. Review status: criteria provided, single submitter. Criteria: Invitae Variant Classification Sherloc (09022015). Collection method: clinical testing. Allele origin: germline.
Comment: For these reasons, this variant has been classified as Pathogenic. Loss-of-function variants in PCCB are known to be pathogenic (PMID: 15464417). This variant has not been reported in the literature in individuals with PCCB-related conditions. This variant is not present in population databases (ExAC no frequency). This sequence change creates a premature translational stop signal (p.Asn36*) in the PCCB gene. It is expected to result in an absent or disrupted protein product.

Literature cited by the submitters: PubMed 15464417.